The following is an entry in ClinVar:

NM_024408.4(NOTCH2):c.4615C>A (p.Pro1539Thr)

Gene: NOTCH2 (notch receptor 2; minus strand). Cytogenetic location: 1p12.
Variant type: single nucleotide variant.
Coding change: c.4615C>A on transcript NM_024408.4 (MANE Select); coding-DNA position 4615, C replaced by A.
Protein change: p.Pro1539Thr; replaces proline 1539 with threonine.
Molecular consequence: missense variant.
Genome position (GRCh38, 1-based): chr1:119,923,881, G>T on the plus strand (C>A on the coding strand, the complement: NOTCH2 is on the minus strand). VCF-style: chr1-119923881-G-T. GRCh37 (hg19) VCF-style: chr1-120466504-G-T.
Other names: short protein forms P1539T.
Identifiers: ClinVar variation 2896464 (VCV002896464.3), dbSNP rs2101159218, ClinGen allele CA341889033.

ClinVar aggregate classification (germline): Uncertain significance (1 of 4 stars; one submission).

Conditions:
Hajdu-Cheney syndrome (HJCYS). Also called: Acroosteolysis dominant type; ACROOSTEOLYSIS WITH OSTEOPOROSIS AND CHANGES IN SKULL AND MANDIBLE; SERPENTINE FIBULA-POLYCYSTIC KIDNEY SYNDROME. Identifiers: Orphanet 955, MedGen C0917715, MONDO:0007057, OMIM 102500.

Allele frequency attached by ClinVar (database versions not stated): gnomAD exomes below 0.00001.
gnomAD v4.1: 1 of 1,614,174 alleles (0.000062%); highest among the groups gnomAD compares: South Asian, 0.0011%; no homozygotes.

Submission:

Labcorp Genetics (formerly Invitae), Labcorp
Classification: Uncertain significance for Hajdu-Cheney syndrome. Last evaluated: 2025-01-13. Review status: criteria provided, single submitter. Criteria: Invitae Variant Classification Sherloc (09022015). Collection method: clinical testing. Allele origin: germline.
Comment: This sequence change replaces proline, which is neutral and non-polar, with threonine, which is neutral and polar, at codon 1539 of the NOTCH2 protein (p.Pro1539Thr). This variant is not present in population databases (gnomAD no frequency). This variant has not been reported in the literature in individuals affected with NOTCH2-related conditions. ClinVar contains an entry for this variant (Variation ID: 2896464). Invitae Evidence Modeling of protein sequence and biophysical properties (such as structural, functional, and spatial information, amino acid conservation, physicochemical variation, residue mobility, and thermodynamic stability) indicates that this missense variant is not expected to disrupt NOTCH2 protein function with a negative predictive value of 80%. In summary, the available evidence is currently insufficient to determine the role of this variant in disease. Therefore, it has been classified as a Variant of Uncertain Significance.